The following is an entry in ClinVar:

ClinVar aggregate classification (germline): Likely benign (1 of 4 stars; one submission).

gnomAD v4.1: 180 of 1,553,310 alleles (0.012%); highest among the groups gnomAD compares: East Asian, 0.12%; no homozygotes.

Submission:

CeGaT Center for Human Genetics Tuebingen
Classification: Likely benign. Last evaluated: 2024-11-01. Review status: criteria provided, single submitter. Criteria: CeGaT Center For Human Genetics Tuebingen Variant Classification Criteria Version 2. Collection method: clinical testing. Allele origin: germline. Affected: yes. Observed: 1 variant allele.
Comment: TIE1: BS1

NM_005424.5(TIE1):c.3311C>T (p.Ala1104Val)

Genes: TIE1 (tyrosine kinase with immunoglobulin like and EGF like domains 1; plus strand), LOC126805720 (CDK7 strongly-dependent group 2 enhancer GRCh37_chr1:43786614-43787813; plus strand). Cytogenetic location: 1p34.2.
Variant type: single nucleotide variant.
Coding change: c.3311C>T on transcript NM_005424.5 (MANE Select); coding-DNA position 3311, C replaced by T.
Protein change: p.Ala1104Val; replaces alanine 1104 with valine.
Molecular consequence: missense variant.
Genome position (GRCh38, 1-based): chr1:43,321,681, C>T. VCF-style: chr1-43321681-C-T. GRCh37 (hg19) VCF-style: chr1-43787352-C-T.
Other names: c.3176C>T, p.Ala1059Val (NM_001253357.2); short protein forms A1059V, A1104V.
Identifiers: ClinVar variation 3388280 (VCV003388280.14).